The following is an entry in ClinVar:

ClinVar aggregate classification (germline): Uncertain significance (1 of 4 stars; one submission).

Conditions:
Bethlem myopathy 1A. Also called: Bethlem myopathy 1; MYOPATHY, BENIGN CONGENITAL, WITH CONTRACTURES; Bethlem Muscular Dystrophy. Identifiers: Orphanet 610, MedGen CN029274, MONDO:0024530, OMIM 158810.

Submission:

Labcorp Genetics (formerly Invitae), Labcorp
Classification: Uncertain significance for Bethlem myopathy 1A. Last evaluated: 2024-01-06. Review status: criteria provided, single submitter. Criteria: Invitae Variant Classification Sherloc (09022015). Collection method: clinical testing. Allele origin: germline.
Comment: This sequence change replaces proline, which is neutral and non-polar, with arginine, which is basic and polar, at codon 254 of the COL6A1 protein (p.Pro254Arg). This variant is not present in population databases (gnomAD no frequency). This variant has not been reported in the literature in individuals affected with COL6A1-related conditions. Experimental studies and prediction algorithms are not available or were not evaluated, and the functional significance of this variant is currently unknown. In summary, the available evidence is currently insufficient to determine the role of this variant in disease. Therefore, it has been classified as a Variant of Uncertain Significance.

NM_001848.3(COL6A1):c.761C>G (p.Pro254Arg)

Gene: COL6A1 (collagen type VI alpha 1 chain; plus strand). Cytogenetic location: 21q22.3.
Variant type: single nucleotide variant.
Coding change: c.761C>G on transcript NM_001848.3 (MANE Select); coding-DNA position 761, C replaced by G.
Protein change: p.Pro254Arg; replaces proline 254 with arginine.
Molecular consequence: missense variant.
Genome position (GRCh38, 1-based): chr21:45,987,611, C>G. VCF-style: chr21-45987611-C-G. GRCh37 (hg19) VCF-style: chr21-47407525-C-G.
Other names: short protein forms P254R.
Identifiers: ClinVar variation 2804714 (VCV002804714.3), dbSNP rs1231786506, ClinGen allele CA410520660.